The following is an entry in ClinVar:

ClinVar aggregate classification (germline): Uncertain significance (1 of 4 stars; one submission).

gnomAD v4.1: 1 of 1,613,014 alleles (0.000062%); highest among the groups gnomAD compares: Non-Finnish European, 0.000085%; no homozygotes.

Submission:

GeneDx
Classification: Uncertain significance. Last evaluated: 2024-12-22. Review status: criteria provided, single submitter. Criteria: GeneDx Variant Classification Process June 2021. Collection method: clinical testing. Allele origin: germline. Affected: yes.
Comment: Not observed at significant frequency in large population cohorts (gnomAD); In silico analysis supports that this missense variant has a deleterious effect on protein structure/function; Has not been previously published as pathogenic or benign to our knowledge

NM_015215.4(CAMTA1):c.4660A>T (p.Ile1554Phe)

Gene: CAMTA1 (calmodulin binding transcription activator 1; plus strand). Cytogenetic location: 1p36.23.
Variant type: single nucleotide variant.
Coding change: c.4660A>T on transcript NM_015215.4 (MANE Select); coding-DNA position 4660, A replaced by T.
Protein change: p.Ile1554Phe; replaces isoleucine 1554 with phenylalanine.
Molecular consequence: missense variant.
Genome position (GRCh38, 1-based): chr1:7,747,752, A>T. VCF-style: chr1-7747752-A-T. GRCh37 (hg19) VCF-style: chr1-7807812-A-T.
Other names: c.4570A>T, p.Ile1524Phe (NM_001349608.2); c.4321A>T, p.Ile1441Phe (NM_001349609.2, NM_001349610.2, NM_001410737.1); c.4231A>T, p.Ile1411Phe (NM_001349612.2); c.1789A>T, p.Ile597Phe (NM_001349613.1); c.1732A>T, p.Ile578Phe (NM_001349614.1, NM_001349615.2, NM_001349616.2 and 2 more transcripts); c.1393A>T, p.Ile465Phe (NM_001349619.2, NM_001349620.1, NM_001349621.1 and 5 more transcripts); c.4249A>T, p.Ile1417Phe (NM_001410738.1); short protein forms I1411F, I1417F, I1441F, I1524F, I1554F, I465F, I578F, I597F.
Identifiers: ClinVar variation 3906428 (VCV003906428.1).